The following is an entry in ClinVar:

ClinVar aggregate classification (germline): Conflicting classifications of pathogenicity. Review status: criteria provided, conflicting classifications (1 of 4 stars). 6 submissions from 6 submitters: Uncertain significance (2); Likely benign (3). 1 of the submissions does not count toward it. Last evaluated 2025-12-22.

Conditions:
HPS5-related disorder. Also called: HPS5-related condition.
Inborn genetic diseases. Identifiers: MedGen C0950123, MeSH D030342.
Hermansky-Pudlak syndrome 5 (HPS5). Identifiers: Orphanet 231512, Orphanet 79430, MedGen C3888004, MONDO:0013557, OMIM 614074.

Allele frequency attached by ClinVar (database versions not stated): ESP Exome Variant Server 0.00008; gnomAD exomes 0.00044 and 0.00079; 1000 Genomes Project 30x 0.00172; gnomAD 0.00007 and 0.00030; TOPMed 0.00013; ExAC 0.00088; 1000 Genomes Project 0.00180.
gnomAD v4.1: 691 of 1,602,390 alleles (0.043%); highest among the groups gnomAD compares: South Asian, 0.59%; 7 homozygotes.

Submissions (6):

Labcorp Genetics (formerly Invitae), Labcorp
Classification: Likely benign. Last evaluated: 2025-12-22. Review status: criteria provided, single submitter. Criteria: Invitae Variant Classification Sherloc (09022015). Collection method: clinical testing. Allele origin: germline.

GeneDx
Classification: Uncertain significance. Last evaluated: 2025-06-26. Review status: criteria provided, single submitter. Criteria: GeneDx Variant Classification Process June 2021. Collection method: clinical testing. Allele origin: germline.
Comment: In silico analysis supports that this missense variant has a deleterious effect on protein structure/function; Has not been previously published as pathogenic or benign to our knowledge

Women's Health and Genetics/Laboratory Corporation of America, LabCorp
Classification: Likely benign. Last evaluated: 2023-11-13. Review status: criteria provided, single submitter. Criteria: LabCorp Variant Classification Summary - May 2015. Collection method: clinical testing. Allele origin: germline.
Comment: Variant summary: HPS5 c.1357C>T (p.Arg453Cys) results in a non-conservative amino acid change in the encoded protein sequence. Four of five in-silico tools predict a damaging effect of the variant on protein function. The variant allele was found at a frequency of 0.00079 in 251104 control chromosomes, predominantly at a frequency of 0.0058 within the South Asian subpopulation in the gnomAD database, including 2 homozygotes. The observed variant frequency within South Asian control individuals in the gnomAD database is approximately 12 fold of the estimated maximal expected allele frequency for a pathogenic variant in HPS5 causing Hermansky-Pudlak Syndrome phenotype (0.00047), strongly suggesting that the variant is a benign polymorphism found primarily in populations of South Asian origin. To our knowledge, no occurrence of c.1357C>T in individuals affected with Hermansky-Pudlak Syndrome and no experimental evidence demonstrating its impact on protein function have been reported. Three submitters have cited clinical-significance assessments for this variant to ClinVar after 2014 and classified this variant as uncertain significance (n=1) and likely benign (n=2). Based on the evidence outlined above, the variant was classified as likely benign.

Ambry Genetics
Classification: Uncertain significance for Inborn genetic diseases. Last evaluated: 2021-11-15. Review status: criteria provided, single submitter. Criteria: Ambry Variant Classification Scheme 2023. Collection method: clinical testing. Allele origin: germline.

Illumina Laboratory Services, Illumina
Classification: Likely benign for Hermansky-Pudlak syndrome 5. Last evaluated: 2018-01-12. Review status: criteria provided, single submitter. Criteria: ICSL Variant Classification Criteria 13 December 2019. Collection method: clinical testing. Allele origin: germline.
Comment: This variant was observed in the ICSL laboratory as part of a predisposition screen in an ostensibly healthy population. It had not been previously curated by ICSL or reported in the Human Gene Mutation Database (HGMD: prior to June 1st, 2018), and was therefore a candidate for classification through an automated scoring system. Utilizing variant allele frequency, disease prevalence and penetrance estimates, and inheritance mode, an automated score was calculated to assess if this variant is too frequent to cause the disease. Based on the score and internal cut-off values, a variant classified as likely benign is not then subjected to further curation. The score for this variant resulted in a classification of likely benign for this disease.

PreventionGenetics, part of Exact Sciences
Classification: Likely benign for HPS5-related condition. Last evaluated: 2024-02-13. Review status: no assertion criteria provided. Collection method: clinical testing. Allele origin: germline. Not counted in ClinVar's aggregate classification.
Comment: This variant is classified as likely benign based on ACMG/AMP sequence variant interpretation guidelines (Richards et al. 2015 PMID: 25741868, with internal and published modifications).

NM_181507.2(HPS5):c.1357C>T (p.Arg453Cys)

Gene: HPS5 (HPS5 biogenesis of lysosomal organelles complex 2 subunit 2; minus strand). Cytogenetic location: 11p15.1.
Variant type: single nucleotide variant.
Coding change: c.1357C>T on transcript NM_181507.2 (MANE Select); coding-DNA position 1357, C replaced by T.
Protein change: p.Arg453Cys; replaces arginine 453 with cysteine.
Molecular consequence: missense variant.
Genome position (GRCh38, 1-based): chr11:18,296,951, G>A on the plus strand (C>T on the coding strand, the complement: HPS5 is on the minus strand). VCF-style: chr11-18296951-G-A. GRCh37 (hg19) VCF-style: chr11-18318498-G-A.
Other names: c.1015C>T, p.Arg339Cys (NM_007216.4, NM_181508.2); short protein forms R339C, R453C.
Identifiers: ClinVar variation 737389 (VCV000737389.20), dbSNP rs200704721, ClinGen allele CA5910148.